The following is an entry in ClinVar:

NM_032043.3(BRIP1):c.3712_3714del (p.Pro1238del)

Gene: BRIP1 (BRCA1 interacting DNA helicase 1; minus strand). Cytogenetic location: 17q23.2.
Variant type: Deletion.
Coding change: c.3712_3714del on transcript NM_032043.3 (MANE Select); coding-DNA positions 3712 to 3714, 3 bases deleted (CCT; older notation c.3712_3714delCCT).
Protein change: p.Pro1238del; deletes proline 1238.
Molecular consequence: inframe deletion.
Genome position (GRCh38, 1-based): chr17:61,683,332-61,683,334, AGG deleted on the plus strand (CCT on the coding strand, the reverse complement: BRIP1 is on the minus strand); deleting any 3 consecutive bases within chr17:61,683,332-61,683,336 gives the same sequence; the c. name uses the placement nearest the transcript's 3' end. VCF-style (leftmost placement, unchanged base first): chr17-61683331-AAGG-A. GRCh37 (hg19) VCF-style: chr17-59760692-AAGG-A.
Other names: short protein forms P1238del.
Identifiers: ClinVar variation 824111 (VCV000824111.10), dbSNP rs1603274664, ClinGen allele CA915950676.
Genomic context (GRCh38, chr17:61,683,331, plus strand): 5'-TACTTAGCTTGAGAGTTAAGTATTATTACTTAAAACCAGGAAACATGCCTTTATTTTTGG[AAGG>A]AGATGGTTTAAAGTTCTTTATTTCTATTTCATGAGTTTTTCCCAGTTCCAGTTCATTTAT-3'

ClinVar aggregate classification (germline): Uncertain significance. Review status: criteria provided, multiple submitters, no conflicts (2 of 4 stars). 2 submissions from 2 submitters: Uncertain significance (2). Last evaluated 2024-06-05.

Conditions:
Fanconi anemia complementation group J. Also called: BRIP1-Related Fanconi Anemia. Identifiers: Orphanet 84, MedGen C1836860, MONDO:0012187, OMIM 609054.
Familial cancer of breast. Also called: hereditary breast carcinoma; BREAST CANCER, FAMILIAL; Hereditary breast cancer. Identifiers: Orphanet 227535, MedGen C0346153, MONDO:0016419, OMIM 114480. Disease mechanism: loss of function.
Hereditary cancer-predisposing syndrome. Also called: Neoplastic Syndromes, Hereditary; Hereditary Cancer Syndrome; Hereditary neoplastic syndrome; Tumor predisposition. Identifiers: Orphanet 140162, MedGen C0027672, MeSH D009386, MONDO:0015356.

Submissions (2):

Ambry Genetics
Classification: Uncertain significance for Hereditary cancer-predisposing syndrome. Last evaluated: 2024-06-05. Review status: criteria provided, single submitter. Criteria: Ambry Variant Classification Scheme 2023. Collection method: clinical testing. Allele origin: germline.
Comment: The c.3712_3714delCCT variant (also known as p.P1238del) is located in coding exon 19 of the BRIP1 gene. This variant results from an in-frame CCT deletion at nucleotide positions 3712 to 3714. This results in the in-frame deletion of a proline at codon 1238. This amino acid position is well conserved in available vertebrate species. In addition, this alteration is predicted to be neutral by in silico analysis (Choi Y et al. PLoS ONE. 2012; 7(10):e46688). Based on the available evidence, the clinical significance of this variant remains unclear.

Labcorp Genetics (formerly Invitae), Labcorp
Classification: Uncertain significance for Familial cancer of breast; Fanconi anemia complementation group J. Last evaluated: 2022-02-01. Review status: criteria provided, single submitter. Criteria: Invitae Variant Classification Sherloc (09022015). Collection method: clinical testing. Allele origin: germline.
Comment: This variant is not present in population databases (gnomAD no frequency). This variant, c.3712_3714del, results in the deletion of 1 amino acid(s) of the BRIP1 protein (p.Pro1238del), but otherwise preserves the integrity of the reading frame. This variant has not been reported in the literature in individuals affected with BRIP1-related conditions. ClinVar contains an entry for this variant (Variation ID: 824111). Experimental studies and prediction algorithms are not available or were not evaluated, and the functional significance of this variant is currently unknown. In summary, the available evidence is currently insufficient to determine the role of this variant in disease. Therefore, it has been classified as a Variant of Uncertain Significance.